The following is an entry in ClinVar:

NM_014915.3(ANKRD26):c.575A>G (p.Gln192Arg)

Gene: ANKRD26 (ankyrin repeat domain 26; minus strand). Cytogenetic location: 10p12.1.
Variant type: single nucleotide variant.
Coding change: c.575A>G on transcript NM_014915.3 (MANE Select); coding-DNA position 575, A replaced by G.
Protein change: p.Gln192Arg; replaces glutamine 192 with arginine.
Molecular consequence: missense variant.
Genome position (GRCh38, 1-based): chr10:27,092,469, T>C on the plus strand (A>G on the coding strand, the complement: ANKRD26 is on the minus strand). VCF-style: chr10-27092469-T-C. GRCh37 (hg19) VCF-style: chr10-27381398-T-C.
Other names: c.575A>G, p.Gln192Arg (NM_001256053.2); short protein forms Q192R.
Identifiers: ClinVar variation 4580059 (VCV004580059.1).

ClinVar aggregate classification (germline): Uncertain significance (1 of 4 stars; one submission).

Conditions:
Inborn genetic diseases. Identifiers: MedGen C0950123, MeSH D030342.

gnomAD v4.1: 1 of 1,613,832 alleles (0.000062%); highest among the groups gnomAD compares: Non-Finnish European, 0.000085%; no homozygotes.

Submission:

Ambry Genetics
Classification: Uncertain significance for Inborn genetic diseases. Last evaluated: 2025-11-19. Review status: criteria provided, single submitter. Criteria: Ambry Variant Classification Scheme 2023. Collection method: clinical testing. Allele origin: germline.
Comment: The p.Q192R variant (also known as c.575A>G), located in coding exon 4 of the ANKRD26 gene, results from an A to G substitution at nucleotide position 575. The glutamine at codon 192 is replaced by arginine, an amino acid with highly similar properties. This amino acid position is conserved. In addition, this alteration is predicted to be tolerated by in silico analysis. Based on the available evidence, the clinical significance of this variant remains unclear.